The following is an entry in ClinVar:

NM_001844.5(COL2A1):c.196G>A (p.Asp66Asn)

Gene: COL2A1 (collagen type II alpha 1 chain; minus strand). Cytogenetic location: 12q13.11.
Variant type: single nucleotide variant.
Coding change: c.196G>A on transcript NM_001844.5 (MANE Select); coding-DNA position 196, G replaced by A.
Protein change: p.Asp66Asn; replaces aspartic acid 66 with asparagine.
Molecular consequence: missense variant. On other transcripts: intron variant (1).
Genome position (GRCh38, 1-based): chr12:48,000,015, C>T on the plus strand (G>A on the coding strand, the complement: COL2A1 is on the minus strand). VCF-style: chr12-48000015-C-T. GRCh37 (hg19) VCF-style: chr12-48393798-C-T.
Other names: c.86-1584G>A (NM_033150.3); short protein forms D66N.
Identifiers: ClinVar variation 1025562 (VCV001025562.12), dbSNP rs976006680, ClinGen allele CA236494906.

ClinVar aggregate classification (germline): Conflicting classifications of pathogenicity. Review status: criteria provided, conflicting classifications (1 of 4 stars). 2 submissions from 2 submitters: Uncertain significance (1); Likely benign (1). Last evaluated 2025-11-26.

Allele frequency attached by ClinVar (database versions not stated): gnomAD exomes 0.00001 and 0.00003; gnomAD 0.00002; TOPMed 0.00005.
gnomAD v4.1: 51 of 1,614,014 alleles (0.0032%); highest among the groups gnomAD compares: East Asian, 0.0045%; no homozygotes.

Submissions (2):

Labcorp Genetics (formerly Invitae), Labcorp
Classification: Likely benign. Last evaluated: 2025-11-26. Review status: criteria provided, single submitter. Criteria: Invitae Variant Classification Sherloc (09022015). Collection method: clinical testing. Allele origin: germline.

GeneDx
Classification: Uncertain significance. Last evaluated: 2025-04-21. Review status: criteria provided, single submitter. Criteria: GeneDx Variant Classification Process June 2021. Collection method: clinical testing. Allele origin: germline. Affected: yes.
Comment: Identified in siblings with short stature, scoliosis, and micrognathia in published literature (PMID: 35250876); In silico analysis indicates that this missense variant does not alter protein structure/function; Not located in the triple helical region, where the majority of pathogenic missense variants occur (HGMD); This variant is associated with the following publications: (PMID: 35250876)